The following is an entry in ClinVar:

ClinVar aggregate classification (germline): Pathogenic/Likely pathogenic. Review status: criteria provided, multiple submitters, no conflicts (2 of 4 stars). 2 submissions from 2 submitters: Pathogenic (1); Likely pathogenic (1). Last evaluated 2024-06-08.

Conditions:
Autosomal recessive nonsyndromic hearing loss 76. Also called: Deafness, autosomal recessive 76. Identifiers: Orphanet 90636, MedGen C3147083, MONDO:0014237, OMIM 615540.

Allele frequency attached by ClinVar (database versions not stated): gnomAD exomes 0.00001.
gnomAD v4.1: 4 of 1,614,026 alleles (0.00025%); highest among the groups gnomAD compares: Middle Eastern, 0.016%; no homozygotes.

Submissions (2):

Labcorp Genetics (formerly Invitae), Labcorp
Classification: Pathogenic. Last evaluated: 2024-06-08. Review status: criteria provided, single submitter. Criteria: Invitae Variant Classification Sherloc (09022015). Collection method: clinical testing. Allele origin: germline.
Comment: This sequence change affects a donor splice site in intron 6 of the SYNE4 gene. It is expected to disrupt RNA splicing. Variants that disrupt the donor or acceptor splice site typically lead to a loss of protein function (PMID: 16199547), and loss-of-function variants in SYNE4 are known to be pathogenic (PMID: 23348741, 28958982). This variant is not present in population databases (gnomAD no frequency). Disruption of this splice site has been observed in individual(s) with deafness (Invitae). In at least one individual the data is consistent with being in trans (on the opposite chromosome) from a pathogenic variant. Algorithms developed to predict the effect of sequence changes on RNA splicing suggest that this variant may disrupt the consensus splice site. For these reasons, this variant has been classified as Pathogenic.

Fulgent Genetics
Classification: Likely pathogenic for Autosomal recessive nonsyndromic hearing loss 76. Last evaluated: 2024-05-07. Review status: criteria provided, single submitter. Criteria: ACMG Guidelines, 2015. Collection method: clinical testing. Allele origin: germline.

Literature cited by the submitters: PubMed 16199547 (cited by Labcorp Genetics (formerly Invitae), Labcorp); PubMed 23348741 (cited by Labcorp Genetics (formerly Invitae), Labcorp); PubMed 28958982 (cited by Labcorp Genetics (formerly Invitae), Labcorp).

NM_001039876.3(SYNE4):c.972+1G>A

Gene: SYNE4 (spectrin repeat containing nuclear envelope family member 4; minus strand). Cytogenetic location: 19q13.12.
Variant type: single nucleotide variant.
Coding change: c.972+1G>A on transcript NM_001039876.3 (MANE Select); the canonical splice donor site of the intron after coding-DNA position 972, G replaced by A.
Molecular consequence: splice donor variant.
Genome position (GRCh38, 1-based): chr19:36,005,332, C>T on the plus strand (G>A on the coding strand, the complement: SYNE4 is on the minus strand). VCF-style: chr19-36005332-C-T. GRCh37 (hg19) VCF-style: chr19-36496234-C-T.
Other names: c.633+1G>A (NM_001297735.3).
Identifiers: ClinVar variation 2719747 (VCV002719747.4), dbSNP rs2145346614, ClinGen allele CA405430277.